The following is an entry in ClinVar:

ClinVar aggregate classification (germline): Likely benign. Review status: criteria provided, multiple submitters, no conflicts (2 of 4 stars). 3 submissions from 3 submitters: Likely benign (3). Last evaluated 2025-05-01.

Conditions:
Bethlem myopathy 1A. Also called: Bethlem Muscular Dystrophy; MYOPATHY, BENIGN CONGENITAL, WITH CONTRACTURES; Bethlem myopathy 1. Identifiers: Orphanet 610, MedGen CN029274, MONDO:0024530, OMIM 158810.

Allele frequency attached by ClinVar (database versions not stated): gnomAD exomes 0.00003 and 0.00006; TOPMed 0.00003; gnomAD 0.00004; ExAC 0.00006.
gnomAD v4.1: 93 of 1,613,898 alleles (0.0058%); highest among the groups gnomAD compares: Non-Finnish European, 0.0077%; no homozygotes.

Submissions (3):

CeGaT Center for Human Genetics Tuebingen
Classification: Likely benign. Last evaluated: 2025-05-01. Review status: criteria provided, single submitter. Criteria: CeGaT Center For Human Genetics Tuebingen Variant Classification Criteria Version 2. Collection method: clinical testing. Allele origin: germline. Affected: yes. Observed: 2 variant alleles.
Comment: COL6A3: BP4, BP7

Laboratory of Genetics, Children's Clinical University Hospital Latvia
Classification: Likely benign. Last evaluated: 2025-02-16. Review status: criteria provided, single submitter. Criteria: ACMG Guidelines, 2015. Collection method: clinical testing. Allele origin: germline. Affected: yes.

Labcorp Genetics (formerly Invitae), Labcorp
Classification: Likely benign for Bethlem myopathy 1A. Last evaluated: 2023-11-23. Review status: criteria provided, single submitter. Criteria: Invitae Variant Classification Sherloc (09022015). Collection method: clinical testing. Allele origin: germline.

NM_004369.4(COL6A3):c.354T>G (p.Thr118=)

Gene: COL6A3 (collagen type VI alpha 3 chain; minus strand). Cytogenetic location: 2q37.3.
Variant type: single nucleotide variant.
Coding change: c.354T>G on transcript NM_004369.4 (MANE Select); coding-DNA position 354, T replaced by G.
Protein change: p.Thr118=; no amino-acid change (threonine 118 retained).
Molecular consequence: synonymous variant. On other transcripts: intron variant (4).
Genome position (GRCh38, 1-based): chr2:237,394,942, A>C on the plus strand (T>G on the coding strand, the complement: COL6A3 is on the minus strand). VCF-style: chr2-237394942-A-C. GRCh37 (hg19) VCF-style: chr2-238303585-A-C.
Other names: c.91+1785T>G (NM_057166.5, NM_057167.4, NM_057164.5 and 1 more transcripts).
Identifiers: ClinVar variation 731964 (VCV000731964.33), dbSNP rs751592191, ClinGen allele CA2189886.